The following is an entry in ClinVar:

NM_000174.5(GP9):c.236C>T (p.Thr79Ile)

Gene: GP9 (glycoprotein IX platelet; plus strand). Cytogenetic location: 3q21.3.
Variant type: single nucleotide variant.
Coding change: c.236C>T on transcript NM_000174.5 (MANE Select); coding-DNA position 236, C replaced by T.
Protein change: p.Thr79Ile; replaces threonine 79 with isoleucine.
Molecular consequence: missense variant.
Genome position (GRCh38, 1-based): chr3:129,061,975, C>T. VCF-style: chr3-129061975-C-T. GRCh37 (hg19) VCF-style: chr3-128780818-C-T.
Other names: NM_000174.5(GP9):c.236C>T; p.Thr79Ile; c.236C>T (NM_000174.4); short protein forms T79I.
Identifiers: ClinVar variation 900152 (VCV000900152.10), dbSNP rs200640594, ClinGen allele CA2602667.

ClinVar aggregate classification (germline): Benign. Review status: reviewed by expert panel (3 of 4 stars). 5 submissions from 5 submitters: Benign (1). 4 of the submissions do not count toward it. Last evaluated 2025-02-11.

Conditions:
GP9-related disorder. Also called: GP9-related condition.
Bernard Soulier syndrome (BSS). Also called: Giant platelet syndrome; Hemorrhagiparous thrombocytic dystrophy; Giant platelet disease; BLEEDING DISORDER, PLATELET-TYPE, 1; Platelet Glycoprotein 1b, Deficiency of; GLYCOPROTEIN Ib, PLATELET, DEFICIENCY OF. Identifiers: Orphanet 274, MedGen C0005129, MeSH D001606, MONDO:0009276, OMIM 231200.

Allele frequency attached by ClinVar (database versions not stated): ExAC 0.00016; gnomAD exomes 0.00026; 1000 Genomes Project 0.00040; gnomAD 0.00044 and 0.00046; 1000 Genomes Project 30x 0.00047; TOPMed 0.00075.
gnomAD v4.1: 338 of 1,613,862 alleles (0.021%); highest among the groups gnomAD compares: Admixed American, 0.21%; 1 homozygote.

Submissions (5):

ClinGen Platelet Disorders Variant Curation Expert Panel, ClinGen
Classification: Benign for Bernard Soulier syndrome. Last evaluated: 2025-02-11. Review status: reviewed by expert panel. Criteria: ClinGen Platelet ACMG Specifications GP9 V1.0.0. Collection method: curation. Allele origin: germline. Inheritance: Autosomal recessive inheritance.
Comment: The c.236C>T variant in GP9 is a missense variant predicted to cause substitution of threonine by isoleucine at amino acid 79. The Grpmax Filtering allele frequency in gnomAD v4.1 is 0.001800 (based on 126/60030 alleles) in Admixed American population, which is higher than the ClinGen PD VCEP threshold (>0.001 for GP9), and therefore meets this criterion (BA1). In summary, this variant meets the criteria to be classified as benign for autosomal recessive Bernard-Soulier syndrome based on the ACMG/AMP criteria applied, as specified by the ClinGen PD VCEP: BA1. (VCEP specifications version 1)

Women's Health and Genetics/Laboratory Corporation of America, LabCorp
Classification: Likely benign. Last evaluated: 2025-02-10. Review status: criteria provided, single submitter. Criteria: LabCorp Variant Classification Summary - May 2015. Collection method: clinical testing. Allele origin: germline. Not counted in ClinVar's aggregate classification.
Comment: Variant summary: GP9 c.236C>T (p.Thr79Ile) results in a non-conservative amino acid change located in the Leucine-rich repeat N-terminal domain (IPR000372) of the encoded protein sequence. Four of five in-silico tools predict a benign effect of the variant on protein function. The variant allele was found at a frequency of 0.00026 in 248086 control chromosomes, predominantly at a frequency of 0.0013 within the Latino subpopulation in the gnomAD database. The observed variant frequency within Latino control individuals in the gnomAD database is approximately 1.75 fold of the estimated maximal expected allele frequency for a pathogenic variant in GP9 causing Bernard Soulier Syndrome phenotype (0.00074). c.236C>T has been reported in the literature in a family with individuals affected with thrombocytopenia who also carried variants in other related genes (Palma-Barqueros_2022). These report(s) do not provide unequivocal conclusions about association of the variant with Bernard Soulier Syndrome. To our knowledge, no experimental evidence demonstrating an impact on protein function has been reported. The following publication have been ascertained in the context of this evaluation (PMID: 35349645). ClinVar contains an entry for this variant (Variation ID: 900152). Based on the evidence outlined above, the variant was classified as likely benign.

Labcorp Genetics (formerly Invitae), Labcorp
Classification: Uncertain significance. Last evaluated: 2024-01-18. Review status: criteria provided, single submitter. Criteria: Invitae Variant Classification Sherloc (09022015). Collection method: clinical testing. Allele origin: germline. Not counted in ClinVar's aggregate classification.
Comment: This sequence change replaces threonine, which is neutral and polar, with isoleucine, which is neutral and non-polar, at codon 79 of the GP9 protein (p.Thr79Ile). This variant is present in population databases (rs200640594, gnomAD 0.1%). This variant has not been reported in the literature in individuals affected with GP9-related conditions. ClinVar contains an entry for this variant (Variation ID: 900152). Algorithms developed to predict the effect of missense changes on protein structure and function output the following: SIFT: "Not Available"; PolyPhen-2: "Benign"; Align-GVGD: "Not Available". The isoleucine amino acid residue is found in multiple mammalian species, which suggests that this missense change does not adversely affect protein function. In summary, the available evidence is currently insufficient to determine the role of this variant in disease. Therefore, it has been classified as a Variant of Uncertain Significance.

PreventionGenetics, part of Exact Sciences
Classification: Uncertain significance for GP9-related condition. Last evaluated: 2023-08-01. Review status: criteria provided, single submitter. Criteria: ACMG Guidelines, 2015. Collection method: clinical testing. Allele origin: germline. Not counted in ClinVar's aggregate classification.
Comment: The GP9 c.236C>T variant is predicted to result in the amino acid substitution p.Thr79Ile. To our knowledge, this variant has not been reported in the literature. This variant is reported in 0.12% of alleles in individuals of Latino descent in gnomAD. Although we suspect that this variant may be benign, at this time, the clinical significance of this variant is uncertain due to the absence of conclusive functional and genetic evidence.

Illumina Laboratory Services, Illumina
Classification: Uncertain significance for Bernard Soulier syndrome. Last evaluated: 2018-01-12. Review status: criteria provided, single submitter. Criteria: ICSL Variant Classification Criteria 13 December 2019. Collection method: clinical testing. Allele origin: germline. Not counted in ClinVar's aggregate classification.

Literature cited by the submitters: PubMed 35349645 (cited by Women's Health and Genetics/Laboratory Corporation of America, LabCorp).